The following is an entry in ClinVar:

NM_000179.3(MSH6):c.2489C>A (p.Ser830Tyr)

Gene: MSH6 (mutS homolog 6; plus strand). Cytogenetic location: 2p16.3.
Variant type: single nucleotide variant.
Coding change: c.2489C>A on transcript NM_000179.3 (MANE Select); coding-DNA position 2489, C replaced by A.
Protein change: p.Ser830Tyr; replaces serine 830 with tyrosine.
Molecular consequence: missense variant.
Genome position (GRCh38, 1-based): chr2:47,800,472, C>A. VCF-style: chr2-47800472-C-A. GRCh37 (hg19) VCF-style: chr2-48027611-C-A.
Other names: c.2099C>A, p.Ser700Tyr (NM_001281492.2); c.1583C>A, p.Ser528Tyr (NM_001281493.2, NM_001281494.2); short protein forms S830Y, S528Y, S700Y.
Identifiers: ClinVar variation 1373203 (VCV001373203.6), dbSNP rs1669469593, ClinGen allele CA346754206.

ClinVar aggregate classification (germline): Uncertain significance (1 of 4 stars; one submission).

Conditions:
Hereditary nonpolyposis colorectal neoplasms. Identifiers: MedGen C0009405, MeSH D003123.

Submission:

Labcorp Genetics (formerly Invitae), Labcorp
Classification: Uncertain significance for Hereditary nonpolyposis colorectal neoplasms. Last evaluated: 2021-08-07. Review status: criteria provided, single submitter. Criteria: Invitae Variant Classification Sherloc (09022015). Collection method: clinical testing. Allele origin: germline.
Comment: In summary, the available evidence is currently insufficient to determine the role of this variant in disease. Therefore, it has been classified as a Variant of Uncertain Significance. Algorithms developed to predict the effect of missense changes on protein structure and function are either unavailable or do not agree on the potential impact of this missense change (SIFT: "Deleterious"; PolyPhen-2: "Probably Damaging"; Align-GVGD: "Class C0"). This variant has not been reported in the literature in individuals affected with MSH6-related conditions. This variant is not present in population databases (ExAC no frequency). This sequence change replaces serine with tyrosine at codon 830 of the MSH6 protein (p.Ser830Tyr). The serine residue is moderately conserved and there is a large physicochemical difference between serine and tyrosine.